The following is an entry in ClinVar:

NM_002465.4(MYBPC1):c.776T>C (p.Leu259Pro)

Gene: MYBPC1 (myosin binding protein C1; plus strand). Cytogenetic location: 12q23.2.
Variant type: single nucleotide variant.
Coding change: c.776T>C on transcript NM_002465.4 (MANE Select); coding-DNA position 776, T replaced by C.
Protein change: p.Leu259Pro; replaces leucine 259 with proline.
Molecular consequence: missense variant.
Genome position (GRCh38, 1-based): chr12:101,642,529, T>C. VCF-style: chr12-101642529-T-C. GRCh37 (hg19) VCF-style: chr12-102036307-T-C.
Other names: c.776T>C, p.Leu259Pro (NM_001404675.1, NM_206819.4); c.644T>C, p.Leu215Pro (NM_001404676.1, NM_001404678.1, NM_001254721.3); c.566T>C, p.Leu189Pro (NM_001404677.1, NM_001404679.1, NM_001404681.1); c.623T>C, p.Leu208Pro (NM_001404680.1, NM_001254722.3); c.701T>C, p.Leu234Pro (NM_206820.4, NM_206821.4, NM_001254718.3 and 1 more transcripts); c.665T>C, p.Leu222Pro (NM_001254720.3); c.662T>C, p.Leu221Pro (NM_001254723.3); short protein forms L259P, L215P, L222P, L221P, L234P, L208P, L189P.
Identifiers: ClinVar variation 522829 (VCV000522829.12), dbSNP rs1421405659, ClinGen allele CA386280667.

ClinVar aggregate classification (germline): Pathogenic/Likely pathogenic. Review status: criteria provided, multiple submitters, no conflicts (2 of 4 stars). 5 submissions from 5 submitters: Pathogenic (1); Likely pathogenic (3). 1 of the submissions does not count toward it. Last evaluated 2024-07-24.

Conditions:
Myopathy, congenital, with tremor. Also called: myogenic tremor; CONGENITAL MYOPATHY 16. Identifiers: MedGen C5231401, MONDO:0032797, OMIM 618524.
MYBPC1-related disorder. Also called: MYBPC1-related condition.

Submissions (5):

GeneDx
Classification: Pathogenic. Last evaluated: 2024-07-24. Review status: criteria provided, single submitter. Criteria: GeneDx Variant Classification Process June 2021. Collection method: clinical testing. Allele origin: germline. Affected: yes.
Comment: Published functional studies demonstrate that this variant likely impacts protein stability (PMID: 31264822); In silico analysis supports that this missense variant has a deleterious effect on protein structure/function; Not observed at significant frequency in large population cohorts (gnomAD); This variant is associated with the following publications: (PMID: 31620961, 31264822, 37577974, 30339776, 36854776, 33093671)

Institute of Human Genetics, University of Leipzig Medical Center
Classification: Likely pathogenic for Myopathy, congenital, with tremor. Last evaluated: 2021-07-26. Review status: criteria provided, single submitter. Criteria: ACMG Guidelines, 2015. Collection method: clinical testing. Allele origin: germline. Affected: yes.

Blueprint Genetics
Classification: Likely pathogenic for MYBPC1-related disorders. Last evaluated: 2021-02-08. Review status: criteria provided, single submitter. Criteria: ACMG Guidelines, 2015. Collection method: clinical testing. Allele origin: germline. Affected: yes. Observed: 1 variant allele.

Undiagnosed Diseases Network, NIH
Classification: Likely pathogenic for MYBPC1-related condition. Last evaluated: 2018-02-22. Review status: criteria provided, single submitter. Criteria: ACMG Guidelines, 2015. Collection method: clinical testing. Allele origin: de novo. Affected: yes. Observed: 1 variant allele, 1 heterozygote.

OMIM
Classification: Pathogenic for CONGENITAL MYOPATHY 16. Last evaluated: 2024-07-16. Review status: no assertion criteria provided. Collection method: literature only. Allele origin: germline. Not counted in ClinVar's aggregate classification.

Literature cited by the submitters: PubMed 31264822 (cited by OMIM).